The following is an entry in ClinVar:

ClinVar aggregate classification (germline): Uncertain significance (1 of 4 stars; one submission).

Conditions:
Exudative vitreoretinopathy 5 (EVR5). Identifiers: Orphanet 891, MedGen C2750079, MONDO:0013218, OMIM 613310.

Submission:

3billion
Classification: Uncertain significance for Exudative vitreoretinopathy 5. Last evaluated: 2022-09-01. Review status: criteria provided, single submitter. Criteria: ACMG Guidelines, 2015. Collection method: clinical testing. Allele origin: germline. Affected: yes. Observed: 1 heterozygote.
Comment: The variant is not observed in the gnomAD v2.1.1 dataset. In silico tool predictions suggest damaging effect of the variant on gene or gene product (REVEL: 0.83; 3Cnet: 0.62). Therefore, this variant is classified as uncertain significance according to the recommendation of ACMG/AMP guideline.

NM_012338.4(TSPAN12):c.277C>T (p.Leu93Phe)

Gene: TSPAN12 (tetraspanin 12; minus strand). Cytogenetic location: 7q31.31.
Variant type: single nucleotide variant.
Coding change: c.277C>T on transcript NM_012338.4 (MANE Select); coding-DNA position 277, C replaced by T.
Protein change: p.Leu93Phe; replaces leucine 93 with phenylalanine.
Molecular consequence: missense variant.
Genome position (GRCh38, 1-based): chr7:120,838,785, G>A on the plus strand (C>T on the coding strand, the complement: TSPAN12 is on the minus strand). VCF-style: chr7-120838785-G-A. GRCh37 (hg19) VCF-style: chr7-120478839-G-A.
Other names: short protein forms L93F.
Identifiers: ClinVar variation 1705439 (VCV001705439.1), dbSNP rs2485419860, ClinGen allele CA369141171.
Genomic context (GRCh38, chr7:120,838,785, plus strand): 5'-TATTACTGGTTAATCTTTTTAACTATAATAAAGAGAAAATATAACATCATACCCATGCAA[G>A]AAGCAACAGATTTCTTTTCACCGTTCCACAATATCCTAACATCCCCACAATGATAAGGAA-3'
Protein context (NP_036470.1, residues 83-103): CGTVKRNLLL[Leu93Phe]AWYFGSLLVI